The following is an entry in ClinVar:

ClinVar aggregate classification (germline): Uncertain significance (1 of 4 stars; one submission).

Conditions:
Inborn genetic diseases. Identifiers: MedGen C0950123, MeSH D030342.

Submission:

Ambry Genetics
Classification: Uncertain significance for Inborn genetic diseases. Last evaluated: 2025-12-16. Review status: criteria provided, single submitter. Criteria: Ambry Variant Classification Scheme 2023. Collection method: clinical testing. Allele origin: germline.
Comment: The p.S251P variant (also known as c.751T>C), located in coding exon 7 of the CCM2 gene, results from a T to C substitution at nucleotide position 751. The serine at codon 251 is replaced by proline, an amino acid with similar properties. This amino acid position is conserved. In addition, the in silico prediction for this alteration is inconclusive. Based on the available evidence, the clinical significance of this variant remains unclear.

NM_031443.4(CCM2):c.751T>C (p.Ser251Pro)

Gene: CCM2 (CCM2 scaffold protein; plus strand). Cytogenetic location: 7p13.
Variant type: single nucleotide variant.
Coding change: c.751T>C on transcript NM_031443.4 (MANE Select); coding-DNA position 751, T replaced by C.
Protein change: p.Ser251Pro; replaces serine 251 with proline.
Molecular consequence: missense variant. On other transcripts: non-coding transcript variant (1).
Genome position (GRCh38, 1-based): chr7:45,072,731, T>C. VCF-style: chr7-45072731-T-C. GRCh37 (hg19) VCF-style: chr7-45112330-T-C.
Other names: c.874T>C, p.Ser292Pro (NM_001363458.2); c.700T>C, p.Ser234Pro (NM_001363459.2); c.814T>C, p.Ser272Pro (NM_001029835.2); c.577T>C, p.Ser193Pro (NM_001167934.2); c.478T>C, p.Ser160Pro (NM_001167935.2); short protein forms S251P, S272P, S160P, S234P, S193P, S292P.
Identifiers: ClinVar variation 4842258 (VCV004842258.1).